The following is an entry in ClinVar:

NM_017696.3(MCM9):c.1329C>T (p.Leu443=)

Gene: MCM9 (minichromosome maintenance 9 homologous recombination repair factor; minus strand). Cytogenetic location: 6q22.31.
Variant type: single nucleotide variant.
Coding change: c.1329C>T on transcript NM_017696.3 (MANE Select); coding-DNA position 1329, C replaced by T.
Protein change: p.Leu443=; no amino-acid change (leucine 443 retained).
Molecular consequence: synonymous variant. On other transcripts: non-coding transcript variant (1).
Genome position (GRCh38, 1-based): chr6:118,829,247, G>A on the plus strand (C>T on the coding strand, the complement: MCM9 is on the minus strand). VCF-style: chr6-118829247-G-A. GRCh37 (hg19) VCF-style: chr6-119150410-G-A.
Other names: c.1329C>T, p.Leu443= (NM_001378364.1, NM_001378356.1, NM_001378357.1 and 2 more transcripts); c.1203C>T, p.Leu401= (NM_001378366.1); c.1131C>T, p.Leu377= (NM_001378367.1).
Identifiers: ClinVar variation 727799 (VCV000727799.4), dbSNP rs560268904, ClinGen allele CA3978378.

ClinVar aggregate classification (germline): Likely benign. Review status: criteria provided, multiple submitters, no conflicts (2 of 4 stars). 2 submissions from 2 submitters: Likely benign (2). Last evaluated 2026-06-11.

Conditions:
MCM9-related disorder. Also called: MCM9-related condition.

Allele frequency attached by ClinVar (database versions not stated): gnomAD exomes 0.00003 and 0.00022; gnomAD 0.00009 and 0.00011; TOPMed 0.00011; ExAC 0.00012; 1000 Genomes Project 30x 0.00047; 1000 Genomes Project 0.00080.
gnomAD v4.1: 87 of 1,548,180 alleles (0.0056%); highest among the groups gnomAD compares: East Asian, 0.093%; no homozygotes.

Submissions (2):

PreventionGenetics, part of Exact Sciences
Classification: Likely benign for MCM9-related condition. Last evaluated: 2026-06-11. Review status: criteria provided, single submitter. Criteria: ACMG Guidelines, 2015. Collection method: clinical testing. Allele origin: germline.
Comment: This variant is classified as likely benign based on ACMG/AMP sequence variant interpretation guidelines (Richards et al. 2015 PMID: 25741868, with internal and published modifications).

Labcorp Genetics (formerly Invitae), Labcorp
Classification: Likely benign. Last evaluated: 2018-12-13. Review status: criteria provided, single submitter. Criteria: Invitae Variant Classification Sherloc (09022015). Collection method: clinical testing. Allele origin: germline.